The following is an entry in ClinVar:

NM_144999.4(LRRC45):c.1778T>C (p.Leu593Pro)

Gene: LRRC45 (leucine rich repeat containing 45; plus strand). Cytogenetic location: 17q25.3.
Variant type: single nucleotide variant.
Coding change: c.1778T>C on transcript NM_144999.4 (MANE Select); coding-DNA position 1778, T replaced by C.
Protein change: p.Leu593Pro; replaces leucine 593 with proline.
Molecular consequence: missense variant.
Genome position (GRCh38, 1-based): chr17:82,030,428, T>C. VCF-style: chr17-82030428-T-C. GRCh37 (hg19) VCF-style: chr17-79988304-T-C.
Other names: c.1778T>C (NM_144999.3); short protein forms L593P.
Identifiers: ClinVar variation 2353522 (VCV002353522.4), dbSNP rs201110968, ClinGen allele CA8848161.

ClinVar aggregate classification (germline): Uncertain significance. Review status: criteria provided, multiple submitters, no conflicts (2 of 4 stars). 2 submissions from 2 submitters: Uncertain significance (2). Last evaluated 2026-05-27.

Conditions:
LRRC45-related disorder. Also called: LRRC45-related condition.

Allele frequency attached by ClinVar (database versions not stated): ESP Exome Variant Server 0.00016; ExAC 0.00019; TOPMed 0.00024; gnomAD 0.00027; gnomAD exomes 0.00041.
gnomAD v4.1: 611 of 1,548,822 alleles (0.039%); highest among the groups gnomAD compares: Middle Eastern, 0.055%; no homozygotes.

Submissions (2):

PreventionGenetics, part of Exact Sciences
Classification: Uncertain significance for LRRC45-related condition. Last evaluated: 2026-05-27. Review status: criteria provided, single submitter. Criteria: ACMG Guidelines, 2015. Collection method: clinical testing. Allele origin: germline.
Comment: The LRRC45 c.1778T>C variant is predicted to result in the amino acid substitution p.Leu593Pro. To our knowledge, this variant has not been reported in the literature. This variant is reported in 0.051% of alleles in individuals of European (Non-Finnish) descent in gnomAD. Although we suspect that this variant may be benign, at this time, the clinical significance of this variant is uncertain due to the absence of conclusive functional and genetic evidence.

Ambry Genetics
Classification: Uncertain significance. Last evaluated: 2021-08-02. Review status: criteria provided, single submitter. Criteria: Ambry Variant Classification Scheme 2023. Collection method: clinical testing. Allele origin: germline.